The following is an entry in ClinVar:

ClinVar aggregate classification (germline): Conflicting classifications of pathogenicity. Review status: criteria provided, conflicting classifications (1 of 4 stars). 2 submissions from 2 submitters: Uncertain significance (1); Benign (1). Last evaluated 2024-10-28.

Conditions:
Acute myeloid leukemia (AML). Also called: Leukemia, acute myeloid, somatic; Leukemia, acute myelogenous, somatic; Acute myeloid leukemia, adult; AML adult; Acute non-lymphocytic leukemia; Acute granulocytic leukemia. Identifiers: Orphanet 519, MedGen C0023467, MeSH D015470, MONDO:0018874, OMIM 601626, HP:0004808. Disease mechanism: Constitutively activated FLT3.
Inborn genetic diseases. Identifiers: MedGen C0950123, MeSH D030342.

Allele frequency attached by ClinVar (database versions not stated): TOPMed below 0.00001; gnomAD 0.00002; gnomAD exomes 0.00009; ExAC 0.00044.

Submissions (2):

Ambry Genetics
Classification: Benign for Inborn genetic diseases. Last evaluated: 2024-10-28. Review status: criteria provided, single submitter. Criteria: Ambry Variant Classification Scheme 2023. Collection method: clinical testing. Allele origin: germline.

Labcorp Genetics (formerly Invitae), Labcorp
Classification: Uncertain significance for Acute myeloid leukemia. Last evaluated: 2023-08-29. Review status: criteria provided, single submitter. Criteria: Invitae Variant Classification Sherloc (09022015). Collection method: clinical testing. Allele origin: germline.
Comment: In summary, the available evidence is currently insufficient to determine the role of this variant in disease. Therefore, it has been classified as a Variant of Uncertain Significance. An algorithm developed to predict the effect of missense changes on protein structure and function (PolyPhen-2) suggests that this variant is likely to be disruptive. ClinVar contains an entry for this variant (Variation ID: 1381878). This variant has not been reported in the literature in individuals affected with CEBPA-related conditions. This variant is present in population databases (rs758092761, gnomAD 0.05%), and has an allele count higher than expected for a pathogenic variant. This sequence change replaces alanine, which is neutral and non-polar, with threonine, which is neutral and polar, at codon 93 of the CEBPA protein (p.Ala93Thr).

NM_004364.5(CEBPA):c.277G>A (p.Ala93Thr)

Gene: CEBPA (CCAAT enhancer binding protein alpha; minus strand). Cytogenetic location: 19q13.11.
Variant type: single nucleotide variant.
Coding change: c.277G>A on transcript NM_004364.5 (MANE Select); coding-DNA position 277, G replaced by A.
Protein change: p.Ala93Thr; replaces alanine 93 with threonine.
Molecular consequence: missense variant. On other transcripts: 5 prime UTR variant (1).
Genome position (GRCh38, 1-based): chr19:33,302,138, C>T on the plus strand (G>A on the coding strand, the complement: CEBPA is on the minus strand). VCF-style: chr19-33302138-C-T. GRCh37 (hg19) VCF-style: chr19-33793044-C-T.
Other names: c.277G>A (NM_004364.3); c.-81G>A (NM_001285829.2); c.382G>A, p.Ala128Thr (NM_001287424.2); c.235G>A, p.Ala79Thr (NM_001287435.2); short protein forms A93T, A128T, A79T.
Identifiers: ClinVar variation 1381878 (VCV001381878.9), dbSNP rs758092761, ClinGen allele CA9363715.